The following is an entry in ClinVar:

NM_001999.4(FBN2):c.1971T>G (p.Thr657=)

Gene: FBN2 (fibrillin 2; minus strand). Cytogenetic location: 5q23.3.
Variant type: single nucleotide variant.
Coding change: c.1971T>G on transcript NM_001999.4 (MANE Select); coding-DNA position 1971, T replaced by G.
Protein change: p.Thr657=; no amino-acid change (threonine 657 retained).
Molecular consequence: synonymous variant.
Genome position (GRCh38, 1-based): chr5:128,376,732, A>C on the plus strand (T>G on the coding strand, the complement: FBN2 is on the minus strand). VCF-style: chr5-128376732-A-C. GRCh37 (hg19) VCF-style: chr5-127712425-A-C.
Identifiers: ClinVar variation 4752781 (VCV004752781.1).

ClinVar aggregate classification (germline): Uncertain significance (1 of 4 stars; one submission).

Conditions:
Congenital contractural arachnodactyly (CCA). Also called: BEALS SYNDROME; Arthrogryposis, distal, type 9; Beals-Hecht syndrome. Identifiers: Orphanet 115, MedGen C0220668, MONDO:0007363, OMIM 121050.

gnomAD v4.1: 5 of 1,613,586 alleles (0.00031%); highest among the groups gnomAD compares: African/African-American, 0.0027%; no homozygotes.

Submission:

Labcorp Genetics (formerly Invitae), Labcorp
Classification: Uncertain significance for Congenital contractural arachnodactyly. Last evaluated: 2025-02-27. Review status: criteria provided, single submitter. Criteria: Invitae Variant Classification Sherloc (09022015). Collection method: clinical testing. Allele origin: germline.
Comment: This sequence change affects codon 657 of the FBN2 mRNA. It is a 'silent' change, meaning that it does not change the encoded amino acid sequence of the FBN2 protein. It affects a nucleotide within the consensus splice site. This variant is present in population databases (rs757938600, gnomAD 0.007%). This variant has not been reported in the literature in individuals affected with FBN2-related conditions. Algorithms developed to predict the effect of sequence changes on RNA splicing suggest that this variant is not likely to affect RNA splicing. In summary, the available evidence is currently insufficient to determine the role of this variant in disease. Therefore, it has been classified as a Variant of Uncertain Significance.